The following is an entry in ClinVar:

NM_199420.4(POLQ):c.5992C>T (p.Pro1998Ser)

Gene: POLQ (DNA polymerase theta; minus strand). Cytogenetic location: 3q13.33.
Variant type: single nucleotide variant.
Coding change: c.5992C>T on transcript NM_199420.4 (MANE Select); coding-DNA position 5992, C replaced by T.
Protein change: p.Pro1998Ser; replaces proline 1998 with serine.
Molecular consequence: missense variant.
Genome position (GRCh38, 1-based): chr3:121,481,791, G>A on the plus strand (C>T on the coding strand, the complement: POLQ is on the minus strand). VCF-style: chr3-121481791-G-A. GRCh37 (hg19) VCF-style: chr3-121200638-G-A.
Other names: short protein forms P1998S.
Identifiers: ClinVar variation 2625841 (VCV002625841.2), dbSNP rs2108794583, ClinGen allele CA354088304.

ClinVar aggregate classification (germline): Uncertain significance (1 of 4 stars; one submission).

Submission:

Ambry Genetics
Classification: Uncertain significance. Last evaluated: 2023-07-26. Review status: criteria provided, single submitter. Criteria: Ambry Variant Classification Scheme 2023. Collection method: clinical testing. Allele origin: germline.
Comment: The p.P1998S variant (also known as c.5992C>T), located in coding exon 19 of the POLQ gene, results from a C to T substitution at nucleotide position 5992. The proline at codon 1998 is replaced by serine, an amino acid with similar properties. This amino acid position is conserved. In addition, the in silico prediction for this alteration is inconclusive. Since supporting evidence is limited at this time, the clinical significance of this alteration remains unclear.